The following is an entry in ClinVar:

ClinVar aggregate classification (germline): Conflicting classifications of pathogenicity. Review status: criteria provided, conflicting classifications (1 of 4 stars). 2 submissions from 2 submitters: Likely pathogenic (1); Uncertain significance (1). Last evaluated 2023-08-24.

Conditions:
Multiple mitochondrial dysfunctions syndrome 4 (MMDS4). Also called: ISCA2-Related Mitochondrial Disorder. Identifiers: Orphanet 457406, MedGen C4225348, MONDO:0014611, OMIM 616370.

Allele frequency attached by ClinVar (database versions not stated): ExAC 0.00002; gnomAD 0.00002; gnomAD exomes 0.00002; TOPMed 0.00003; 1000 Genomes Project 0.00020; 1000 Genomes Project 30x 0.00031.
gnomAD v4.1: 36 of 1,614,158 alleles (0.0022%); highest among the groups gnomAD compares: Admixed American, 0.0083%; no homozygotes.

Submissions (2):

Women's Health and Genetics/Laboratory Corporation of America, LabCorp
Classification: Likely pathogenic for Multiple mitochondrial dysfunctions syndrome 4. Last evaluated: 2023-08-24. Review status: criteria provided, single submitter. Criteria: LabCorp Variant Classification Summary - May 2015. Collection method: clinical testing. Allele origin: germline.
Comment: Variant summary: ISCA2 c.313A>G (p.Arg105Gly) results in a non-conservative amino acid change located in the FeS cluster biogenesis domain (IPR000361) of the encoded protein sequence. Three of five in-silico tools predict a benign effect of the variant on protein function. The variant allele was found at a frequency of 3.6e-05 in 251418 control chromosomes (gnomAD). c.313A>G has been reported in the literature in at least one homozygous individual affected with Multiple Mitochondrial Dysfunctions Syndrome 4 (Lebigot_2017). These data indicate that the variant may be associated with disease. Biochemical analysis of cultured fibroblasts from the homozygous patient showed reduced pyruvate dehydrogenase, -ketoglutarate dehydrogenase and mitochondrial Complex I activity (Lebigot_2017). The most pronounced variant effect resulted in <10% of normal activity. The following publication has been ascertained in the context of this evaluation (PMID: 28803783). No submitters have cited clinical-significance assessments for this variant to ClinVar after 2014. Based on the evidence outlined above, the variant was classified as likely pathogenic.

Blueprint Genetics
Classification: Uncertain significance. Last evaluated: 2023-07-18. Review status: criteria provided, single submitter. Criteria: ACMG Guidelines, 2015. Collection method: clinical testing. Allele origin: germline.

Literature cited by the submitters: PubMed 28803783 (cited by Women's Health and Genetics/Laboratory Corporation of America, LabCorp).

NM_194279.4(ISCA2):c.313A>G (p.Arg105Gly)

Gene: ISCA2 (iron-sulfur cluster assembly 2; plus strand). Cytogenetic location: 14q24.3.
Variant type: single nucleotide variant.
Coding change: c.313A>G on transcript NM_194279.4 (MANE Select); coding-DNA position 313, A replaced by G.
Protein change: p.Arg105Gly; replaces arginine 105 with glycine.
Molecular consequence: missense variant. On other transcripts: 3 prime UTR variant (1).
Genome position (GRCh38, 1-based): chr14:74,494,848, A>G. VCF-style: chr14-74494848-A-G. GRCh37 (hg19) VCF-style: chr14-74961551-A-G.
Other names: c.*14A>G (NM_001272007.2); short protein forms R105G.
Identifiers: ClinVar variation 2581360 (VCV002581360.2), dbSNP rs191915715, ClinGen allele CA7268347.